The following is an entry in ClinVar:

NM_000179.3(MSH6):c.3698_3702dup (p.Leu1235fs)

Gene: MSH6 (mutS homolog 6; plus strand). Cytogenetic location: 2p16.3.
Variant type: Duplication.
Coding change: c.3698_3702dup on transcript NM_000179.3 (MANE Select); coding-DNA positions 3698 to 3702, 5 bases duplicated (AAGAA; older notation c.3698_3702dupAAGAA).
Protein change: p.Leu1235fs; shifts the reading frame from leucine 1235.
Molecular consequence: frameshift variant.
Genome position (GRCh38, 1-based): chr2:47,806,255-47,806,259, AAGAA duplicated; duplicating any 5 consecutive bases within chr2:47,806,254-47,806,259 gives the same sequence; the c. name uses the placement nearest the transcript's 3' end. VCF-style (leftmost placement, unchanged base first): chr2-47806253-T-TAAAGA. GRCh37 (hg19) VCF-style: chr2-48033392-T-TAAAGA.
Other names: c.3308_3312dup, p.Leu1105fs (NM_001281492.2); c.2792_2796dup, p.Leu933fs (NM_001281493.2, NM_001281494.2); c.3698_3702dupAAGAA (NM_000179.2); short protein forms L933fs, L1235fs, L1105fs.
Identifiers: ClinVar variation 428292 (VCV000428292.8), dbSNP rs193922343, ClinGen allele CA645369301.
Genomic context (GRCh38, chr2:47,806,253, plus strand): 5'-TACTTTAACAGGAAGAGGTACTGCAACATTTGATGGGACGGCAATAGCAAATGCAGTTGT[T>TAAAGA]AAAGAACTTGCTGAGACTATAAAATGTCGTACATTATTTTCAACTCACTACCATTCATTA-3'

ClinVar aggregate classification (germline): Pathogenic/Likely pathogenic. Review status: criteria provided, multiple submitters, no conflicts (2 of 4 stars). 3 submissions from 3 submitters: Pathogenic (1); Likely pathogenic (2). Last evaluated 2023-05-02.

Conditions:
Lynch syndrome 5 (LYNCH5). Also called: Hereditary non-polyposis colorectal cancer, type 5; Colorectal cancer, hereditary nonpolyposis, type 5. Identifiers: Orphanet 144, MedGen C1833477, MONDO:0013710, OMIM 614350. Disease mechanism: loss of function.
Hereditary cancer-predisposing syndrome. Also called: Hereditary Cancer Syndrome; Neoplastic Syndromes, Hereditary; Hereditary neoplastic syndrome; Tumor predisposition. Identifiers: Orphanet 140162, MedGen C0027672, MeSH D009386, MONDO:0015356.
Endometrial carcinoma. Also called: Endometrial carcinoma, somatic. Identifiers: MedGen C0476089, MONDO:0002447, OMIM 608089, HP:0012114.

Submissions (3):

Baylor Genetics
Classification: Likely pathogenic for Endometrial carcinoma. Last evaluated: 2023-05-02. Review status: criteria provided, single submitter. Criteria: ACMG Guidelines, 2015. Collection method: clinical testing. Allele origin: unknown.

Laboratorio de Genetica e Diagnostico Molecular, Hospital Israelita Albert Einstein
Classification: Likely pathogenic for Lynch syndrome 5. Last evaluated: 2022-04-27. Review status: criteria provided, single submitter. Criteria: ACMG Guidelines, 2015. Collection method: clinical testing. Allele origin: germline.
Comment: ACMG classification criteria: PVS1 very strong, PM2 moderated

Ambry Genetics
Classification: Pathogenic for Hereditary cancer-predisposing syndrome. Last evaluated: 2021-12-07. Review status: criteria provided, single submitter. Criteria: Ambry Variant Classification Scheme 2023. Collection method: clinical testing. Allele origin: germline.
Comment: The c.3698_3702dupAAGAA pathogenic mutation, located in coding exon 8 of the MSH6 gene, results from a duplication of AAGAA at nucleotide position 3698, causing a translational frameshift with a predicted alternate stop codon (p.L1235Kfs*7). This alteration is expected to result in loss of function by premature protein truncation or nonsense-mediated mRNA decay. As such, this alteration is interpreted as a disease-causing mutation.